The following is an entry in ClinVar:

ClinVar aggregate classification (germline): Uncertain significance (1 of 4 stars; one submission).

Conditions:
Familial hemophagocytic lymphohistiocytosis 3 (FHL3). Also called: UNC13D-Related Familial Hemophagocytic Lymphohistiocytosis (UNC13D-fHLH). Identifiers: Orphanet 540, MedGen C1837174, MONDO:0012146, OMIM 608898.

Allele frequency attached by ClinVar (database versions not stated): ExAC 0.00001; gnomAD exomes 0.00001; gnomAD 0.00003.
gnomAD v4.1: 21 of 1,607,182 alleles (0.0013%); highest among the groups gnomAD compares: Admixed American, 0.0017%; no homozygotes.

Submission:

Labcorp Genetics (formerly Invitae), Labcorp
Classification: Uncertain significance for Familial hemophagocytic lymphohistiocytosis 3. Last evaluated: 2022-06-03. Review status: criteria provided, single submitter. Criteria: Invitae Variant Classification Sherloc (09022015). Collection method: clinical testing. Allele origin: germline.
Comment: This sequence change replaces aspartic acid, which is acidic and polar, with asparagine, which is neutral and polar, at codon 1007 of the UNC13D protein (p.Asp1007Asn). The frequency data for this variant in the population databases is considered unreliable, as metrics indicate poor data quality at this position in the gnomAD database. This variant has not been reported in the literature in individuals affected with UNC13D-related conditions. Algorithms developed to predict the effect of missense changes on protein structure and function are either unavailable or do not agree on the potential impact of this missense change (SIFT: "Not Available"; PolyPhen-2: "Probably Damaging"; Align-GVGD: "Not Available"). In summary, the available evidence is currently insufficient to determine the role of this variant in disease. Therefore, it has been classified as a Variant of Uncertain Significance.

NM_199242.3(UNC13D):c.3019G>A (p.Asp1007Asn)

Gene: UNC13D (unc-13 homolog D; minus strand). Cytogenetic location: 17q25.1.
Variant type: single nucleotide variant.
Coding change: c.3019G>A on transcript NM_199242.3 (MANE Select); coding-DNA position 3019, G replaced by A.
Protein change: p.Asp1007Asn; replaces aspartic acid 1007 with asparagine.
Molecular consequence: missense variant.
Genome position (GRCh38, 1-based): chr17:75,828,919, C>T on the plus strand (G>A on the coding strand, the complement: UNC13D is on the minus strand). VCF-style: chr17-75828919-C-T. GRCh37 (hg19) VCF-style: chr17-73825000-C-T.
Other names: short protein forms D1007N.
Identifiers: ClinVar variation 2419175 (VCV002419175.3), dbSNP rs757164072, ClinGen allele CA8772307.